The following is an entry in ClinVar:

NM_053025.4(MYLK):c.4422del (p.Lys1474fs)

Gene: MYLK (myosin light chain kinase; minus strand). Cytogenetic location: 3q21.1.
Variant type: Deletion.
Coding change: c.4422del on transcript NM_053025.4 (MANE Select); coding-DNA position 4422, one base deleted (A; older notation c.4422delA).
Protein change: p.Lys1474fs; shifts the reading frame from lysine 1474.
Molecular consequence: frameshift variant.
Genome position (GRCh38, 1-based): chr3:123,647,421, T deleted on the plus strand (A on the coding strand, the reverse complement: MYLK is on the minus strand); the first of 3 consecutive T bases (chr3:123,647,421-123,647,423); deleting any one gives the same sequence. VCF-style (leftmost placement, unchanged base first): chr3-123647420-AT-A. GRCh37 (hg19) VCF-style: chr3-123366267-AT-A.
Other names: c.3894del, p.Lys1298fs (NM_001321309.2); c.4215del, p.Lys1405fs (NM_053026.4, NM_053028.4); c.4422del, p.Lys1474fs (NM_053027.4); short protein forms K1298fs, K1405fs, K1474fs.
Identifiers: ClinVar variation 1391929 (VCV001391929.6), dbSNP rs2059058650, ClinGen allele CA1398493189.
Genomic context (GRCh38, chr3:123,647,420, plus strand): 5'-AGAACTTCCCTGCCCAGACTTTTCGAGTTTTCTTTTCTACAAGTCGAAAGACCTGTCCAA[AT>A]TTCCCACTGCAAATGAAAGGGGGAGGAGAGAAAAGCCACATTTAGCCAAGCTTTCCGCTA-3'

ClinVar aggregate classification (germline): Pathogenic (1 of 4 stars; one submission).

Conditions:
Aortic aneurysm, familial thoracic 7 (AAT7). Also called: AORTIC DISSECTION, FAMILIAL, WITH OR WITHOUT AORTIC ANEURYSM. Identifiers: MedGen C3151077, MONDO:0013418, OMIM 613780.

Submission:

Labcorp Genetics (formerly Invitae), Labcorp
Classification: Pathogenic for Aortic aneurysm, familial thoracic 7. Last evaluated: 2022-05-22. Review status: criteria provided, single submitter. Criteria: Invitae Variant Classification Sherloc (09022015). Collection method: clinical testing. Allele origin: germline.
Comment: For these reasons, this variant has been classified as Pathogenic. This variant has not been reported in the literature in individuals affected with MYLK-related conditions. This variant is not present in population databases (gnomAD no frequency). This sequence change creates a premature translational stop signal (p.Lys1474Asnfs*9) in the MYLK gene. This variant occurs within the aortic-specific isoform of MYLK. Loss-of-function variants in the aortic-specific isoform of MYLK are known to be pathogenic for thoracic aortic dissections (PMID: 21055718).

Literature cited by the submitters: PubMed 21055718.